The following is an entry in ClinVar:

NM_152564.5(VPS13B):c.2269G>A (p.Val757Ile)

Gene: VPS13B (vacuolar protein sorting 13 homolog B; plus strand). Cytogenetic location: 8q22.2.
Variant type: single nucleotide variant.
Coding change: c.2269G>A on transcript NM_152564.5 (MANE Select); coding-DNA position 2269, G replaced by A.
Protein change: p.Val757Ile; replaces valine 757 with isoleucine.
Molecular consequence: missense variant.
Genome position (GRCh38, 1-based): chr8:99,170,099, G>A. VCF-style: chr8-99170099-G-A. GRCh37 (hg19) VCF-style: chr8-100182327-G-A.
Other names: c.2269G>A, p.Val757Ile (NM_015243.3, NM_017890.5); short protein forms V757I.
Identifiers: ClinVar variation 939564 (VCV000939564.7), dbSNP rs1202638841, ClinGen allele CA371865416.

ClinVar aggregate classification (germline): Uncertain significance (1 of 4 stars; one submission).

Conditions:
Cohen syndrome (COH1). Also called: PEPPER SYNDROME; Cutis verticis gyrata, retinitis pigmentosa, and sensorineural deafness. Identifiers: Orphanet 193, MedGen C0265223, MONDO:0008999, OMIM 216550.

Allele frequency attached by ClinVar (database versions not stated): gnomAD below 0.00001 and 0.00001; TOPMed below 0.00001; gnomAD exomes 0.00001 and 0.00002.
gnomAD v4.1: 10 of 1,612,832 alleles (0.00062%); highest among the groups gnomAD compares: South Asian, 0.011%; no homozygotes.

Submission:

Labcorp Genetics (formerly Invitae), Labcorp
Classification: Uncertain significance for Cohen syndrome. Last evaluated: 2022-07-19. Review status: criteria provided, single submitter. Criteria: Invitae Variant Classification Sherloc (09022015). Collection method: clinical testing. Allele origin: germline.
Comment: This sequence change replaces valine, which is neutral and non-polar, with isoleucine, which is neutral and non-polar, at codon 757 of the VPS13B protein (p.Val757Ile). This variant is present in population databases (no rsID available, gnomAD 0.01%). This variant has not been reported in the literature in individuals affected with VPS13B-related conditions. ClinVar contains an entry for this variant (Variation ID: 939564). Algorithms developed to predict the effect of missense changes on protein structure and function are either unavailable or do not agree on the potential impact of this missense change (SIFT: "Not Available"; PolyPhen-2: "Possibly Damaging"; Align-GVGD: "Not Available"). In summary, the available evidence is currently insufficient to determine the role of this variant in disease. Therefore, it has been classified as a Variant of Uncertain Significance.